The following is an entry in ClinVar:

ClinVar aggregate classification (germline): Uncertain significance. Review status: criteria provided, multiple submitters, no conflicts (2 of 4 stars). 2 submissions from 2 submitters: Uncertain significance (2). Last evaluated 2026-03-28.

Conditions:
Inborn genetic diseases. Identifiers: MedGen C0950123, MeSH D030342.
Baller-Gerold syndrome (BGS). Also called: CRANIOSYNOSTOSIS WITH RADIAL DEFECTS. Identifiers: Orphanet 1225, MedGen C0265308, MONDO:0009039, OMIM 218600.

Submissions (2):

Ambry Genetics
Classification: Uncertain significance for Inborn genetic diseases. Last evaluated: 2026-03-28. Review status: criteria provided, single submitter. Criteria: Ambry Variant Classification Scheme 2023. Collection method: clinical testing. Allele origin: germline.
Comment: The p.Q381H variant (also known as c.1143G>C), located in coding exon 6 of the RECQL4 gene, results from a G to C substitution at nucleotide position 1143. The glutamine at codon 381 is replaced by histidine, an amino acid with highly similar properties. This amino acid position is conserved. In addition, the in silico prediction for this alteration is inconclusive. Based on the available evidence, the clinical significance of this variant remains unclear.

Labcorp Genetics (formerly Invitae), Labcorp
Classification: Uncertain significance for Baller-Gerold syndrome. Last evaluated: 2022-07-01. Review status: criteria provided, single submitter. Criteria: Invitae Variant Classification Sherloc (09022015). Collection method: clinical testing. Allele origin: germline.
Comment: This sequence change replaces glutamine, which is neutral and polar, with histidine, which is basic and polar, at codon 381 of the RECQL4 protein (p.Gln381His). This variant is not present in population databases (gnomAD no frequency). In summary, the available evidence is currently insufficient to determine the role of this variant in disease. Therefore, it has been classified as a Variant of Uncertain Significance. Experimental studies and prediction algorithms are not available or were not evaluated, and the functional significance of this variant is currently unknown. This variant has not been reported in the literature in individuals affected with RECQL4-related conditions.

NM_004260.4(RECQL4):c.1143G>C (p.Gln381His)

Gene: RECQL4 (RecQ like helicase 4; minus strand). Cytogenetic location: 8q24.3.
Variant type: single nucleotide variant.
Coding change: c.1143G>C on transcript NM_004260.4 (MANE Select); coding-DNA position 1143, G replaced by C.
Protein change: p.Gln381His; replaces glutamine 381 with histidine.
Molecular consequence: missense variant.
Genome position (GRCh38, 1-based): chr8:144,515,879, C>G on the plus strand (G>C on the coding strand, the complement: RECQL4 is on the minus strand). VCF-style: chr8-144515879-C-G. GRCh37 (hg19) VCF-style: chr8-145741263-C-G.
Other names: c.1143G>C (NM_004260.3); c.1047G>C, p.Gln349His (NM_001413017.1, NM_001413020.1); c.1143G>C, p.Gln381His (NM_001413018.1, NM_001413019.1, NM_001413033.1 and 2 more transcripts); c.72G>C, p.Gln24His (NM_001413021.1, NM_001413022.1, NM_001413023.1 and 8 more transcripts); c.1014G>C, p.Gln338His (NM_001413025.1); c.10G>C, p.Glu4Gln (NM_001413027.1, NM_001413030.1, NM_001413031.1 and 2 more transcripts); c.792G>C, p.Gln264His (NM_001413029.1); short protein forms Q24H, E4Q, Q349H, Q264H, Q338H, Q381H.
Identifiers: ClinVar variation 2012774 (VCV002012774.5), dbSNP rs764045434, ClinGen allele CA372687820.